The following is an entry in ClinVar:

NM_005592.4(MUSK):c.398T>C (p.Ile133Thr)

Gene: MUSK (muscle associated receptor tyrosine kinase; plus strand). Cytogenetic location: 9q31.3.
Variant type: single nucleotide variant.
Coding change: c.398T>C on transcript NM_005592.4 (MANE Select); coding-DNA position 398, T replaced by C.
Protein change: p.Ile133Thr; replaces isoleucine 133 with threonine.
Molecular consequence: missense variant.
Genome position (GRCh38, 1-based): chr9:110,695,442, T>C. VCF-style: chr9-110695442-T-C. GRCh37 (hg19) VCF-style: chr9-113457722-T-C.
Other names: c.398T>C, p.Ile133Thr (NM_001166280.2, NM_001166281.2); short protein forms I133T.
Identifiers: ClinVar variation 197256 (VCV000197256.65), dbSNP rs55980069, ClinGen allele CA202782.

ClinVar aggregate classification (germline): Benign/Likely benign. Review status: criteria provided, multiple submitters, no conflicts (2 of 4 stars). 8 submissions from 8 submitters: Benign (4); Likely benign (3). 1 of the submissions does not count toward it. Last evaluated 2026-09-01.

Conditions:
MUSK-related disorder. Also called: MUSK-related condition; MUSK-related disorders.
Fetal akinesia deformation sequence 1 (FADS1). Also called: Fetal akinesia sequence; Pena-Shokeir syndrome type I. Identifiers: Orphanet 994, MedGen C1276035, MONDO:0100101, OMIM 208150, HP:0001989.
Congenital myasthenic syndrome 9. Also called: Myasthenic syndrome, congenital, 9, associated with acetylcholine receptor deficiency. Identifiers: Orphanet 590, MedGen C4225368, MONDO:0014587, OMIM 616325.

Allele frequency attached by ClinVar (database versions not stated): 1000 Genomes Project 0.00060; 1000 Genomes Project 30x 0.00062; gnomAD 0.00391 and 0.00399; TOPMed 0.00403; gnomAD exomes 0.00451 and 0.00615; ESP Exome Variant Server 0.00511; ExAC 0.00761.
gnomAD v4.1: 9,110 of 1,539,768 alleles (0.59%); highest among the groups gnomAD compares: Non-Finnish European, 0.69%; 38 homozygotes.

Submissions (8):

CeGaT Center for Human Genetics Tuebingen
Classification: Likely benign. Last evaluated: 2026-09-01. Review status: criteria provided, single submitter. Criteria: CeGaT Center For Human Genetics Tuebingen Variant Classification Criteria Version 2. Collection method: clinical testing. Allele origin: germline. Affected: yes. Observed: 6 variant alleles.
Comment: MUSK: BS2

Labcorp Genetics (formerly Invitae), Labcorp
Classification: Benign for Congenital myasthenic syndrome 9; Fetal akinesia deformation sequence 1. Last evaluated: 2026-01-28. Review status: criteria provided, single submitter. Criteria: Invitae Variant Classification Sherloc (09022015). Collection method: clinical testing. Allele origin: germline.

Athena Diagnostics
Classification: Benign. Last evaluated: 2018-03-05. Review status: criteria provided, single submitter. Criteria: Athena Diagnostics Criteria. Collection method: clinical testing. Allele origin: germline.

Illumina Laboratory Services, Illumina
Classification: Likely benign for Congenital myasthenic syndrome 9. Last evaluated: 2018-01-13. Review status: criteria provided, single submitter. Criteria: ICSL Variant Classification Criteria 13 December 2019. Collection method: clinical testing. Allele origin: germline.
Comment: This variant was observed in the ICSL laboratory as part of a predisposition screen in an ostensibly healthy population. It had not been previously curated by ICSL or reported in the Human Gene Mutation Database (HGMD: prior to June 1st, 2018), and was therefore a candidate for classification through an automated scoring system. Utilizing variant allele frequency, disease prevalence and penetrance estimates, and inheritance mode, an automated score was calculated to assess if this variant is too frequent to cause the disease. Based on the score and internal cut-off values, a variant classified as likely benign is not then subjected to further curation. The score for this variant resulted in a classification of likely benign for this disease.

GeneDx
Classification: Benign. Last evaluated: 2017-05-04. Review status: criteria provided, single submitter. Criteria: GeneDx Variant Classification (06012015). Collection method: clinical testing. Allele origin: germline. Affected: yes.
Comment: This variant is considered likely benign or benign based on one or more of the following criteria: it is a conservative change, it occurs at a poorly conserved position in the protein, it is predicted to be benign by multiple in silico algorithms, and/or has population frequency not consistent with disease.

Center for Pediatric Genomic Medicine, Children's Mercy Hospital and Clinics
Classification: Likely benign. Last evaluated: 2016-10-13. Review status: criteria provided, single submitter. Criteria: ACMG Guidelines, 2015. Collection method: clinical testing. Allele origin: germline.
ClinVar note: Converted during submission from Likely Benign to Likely benign.

Eurofins Ntd Llc (ga)
Classification: Benign. Last evaluated: 2014-12-17. Review status: criteria provided, single submitter. Criteria: EGL Classification Definitions 2015. Collection method: clinical testing. Allele origin: germline. Observed: 2 variant alleles, 2 heterozygotes.

PreventionGenetics, part of Exact Sciences
Classification: Benign for MUSK-related condition. Last evaluated: 2020-06-29. Review status: no assertion criteria provided. Collection method: clinical testing. Allele origin: germline. Not counted in ClinVar's aggregate classification.
Comment: This variant is classified as benign based on ACMG/AMP sequence variant interpretation guidelines (Richards et al. 2015 PMID: 25741868, with internal and published modifications).